The following is an entry in ClinVar:

NM_001378609.3(OTOGL):c.3422G>C (p.Ser1141Thr)

Gene: OTOGL (otogelin like; plus strand). Cytogenetic location: 12q21.31.
Variant type: single nucleotide variant.
Coding change: c.3422G>C on transcript NM_001378609.3 (MANE Select); coding-DNA position 3422, G replaced by C.
Protein change: p.Ser1141Thr; replaces serine 1141 with threonine.
Molecular consequence: missense variant.
Genome position (GRCh38, 1-based): chr12:80,310,699, G>C. VCF-style: chr12-80310699-G-C. GRCh37 (hg19) VCF-style: chr12-80704479-G-C.
Other names: c.3287G>C, p.Ser1096Thr (NM_001368062.3); c.3422G>C, p.Ser1141Thr (NM_001378610.3, NM_173591.7); short protein forms S1096T, S1141T.
Identifiers: ClinVar variation 2531749 (VCV002531749.3), dbSNP rs760383205, ClinGen allele CA6701050.

ClinVar aggregate classification (germline): Uncertain significance. Review status: criteria provided, multiple submitters, no conflicts (2 of 4 stars). 2 submissions from 2 submitters: Uncertain significance (2). Last evaluated 2025-12-01.

Conditions:
OTOGL-related disorder. Also called: OTOGL-related condition.
Inborn genetic diseases. Identifiers: MedGen C0950123, MeSH D030342.

Allele frequency attached by ClinVar (database versions not stated): gnomAD exomes below 0.00001; ExAC 0.00002.
gnomAD v4.1: 4 of 1,589,600 alleles (0.00025%); highest among the groups gnomAD compares: Admixed American, 0.0067%; no homozygotes.

Submissions (2):

PreventionGenetics, part of Exact Sciences
Classification: Uncertain significance for OTOGL-related condition. Last evaluated: 2025-12-01. Review status: criteria provided, single submitter. Criteria: ACMG Guidelines, 2015. Collection method: clinical testing. Allele origin: germline.
Comment: The OTOGL c.3395G>C variant is predicted to result in the amino acid substitution p.Ser1132Thr. To our knowledge, this variant has not been reported in the literature. This variant is reported in 0.0087% of alleles in individuals of Latino descent in gnomAD. At this time, the clinical significance of this variant is uncertain due to the absence of conclusive functional and genetic evidence.

Ambry Genetics
Classification: Uncertain significance for Inborn genetic diseases. Last evaluated: 2023-03-31. Review status: criteria provided, single submitter. Criteria: Ambry Variant Classification Scheme 2023. Collection method: clinical testing. Allele origin: germline.